The following is an entry in ClinVar:

ClinVar aggregate classification (germline): Uncertain significance (0 of 4 stars; one submission).

Conditions:
HCN2-related disorder. Also called: HCN2-related condition.

Submission:

PreventionGenetics, part of Exact Sciences
Classification: Uncertain significance for HCN2-related condition. Last evaluated: 2024-09-10. Review status: no assertion criteria provided. Collection method: clinical testing. Allele origin: germline.
Comment: The HCN2 c.1316C>T variant is predicted to result in the amino acid substitution p.Thr439Met. To our knowledge, this variant has not been reported in the literature. This variant is reported in 0.010% of alleles in individuals of Ashkenazi Jewish descent in gnomAD. At this time, the clinical significance of this variant is uncertain due to the absence of conclusive functional and genetic evidence.

NM_001194.4(HCN2):c.1316C>T (p.Thr439Met)

Gene: HCN2 (hyperpolarization activated cyclic nucleotide gated potassium and sodium channel 2; plus strand). Cytogenetic location: 19p13.3.
Variant type: single nucleotide variant.
Coding change: c.1316C>T on transcript NM_001194.4 (MANE Select); coding-DNA position 1316, C replaced by T.
Protein change: p.Thr439Met; replaces threonine 439 with methionine.
Molecular consequence: missense variant.
Genome position (GRCh38, 1-based): chr19:608,061, C>T. VCF-style: chr19-608061-C-T. GRCh37 (hg19) VCF-style: chr19-608061-C-T.
Other names: short protein forms T439M.
Identifiers: ClinVar variation 3353963 (VCV003353963.1).